The following is an entry in ClinVar:

ClinVar aggregate classification (germline): Uncertain significance (1 of 4 stars; one submission).

Conditions:
Methylmalonic aciduria, cblB type (MACB). Also called: Methylmalonic acidemia cblB type; METHYLMALONIC ACIDURIA, VITAMIN B12-RESPONSIVE, DUE TO DEFECT IN SYNTHESIS OF ADENOSYLCOBALAMIN, cblB TYPE; Vitamin B12-responsive methylmalonic acidemia type cblB. Identifiers: Orphanet 28, Orphanet 79311, MedGen C1855102, MONDO:0009614, OMIM 251110.

Submission:

Labcorp Genetics (formerly Invitae), Labcorp
Classification: Uncertain significance for Methylmalonic aciduria, cblB type. Last evaluated: 2024-10-22. Review status: criteria provided, single submitter. Criteria: Invitae Variant Classification Sherloc (09022015). Collection method: clinical testing. Allele origin: germline.
Comment: This sequence change replaces methionine, which is neutral and non-polar, with valine, which is neutral and non-polar, at codon 202 of the MMAB protein (p.Met202Val). This variant is not present in population databases (gnomAD no frequency). This variant has not been reported in the literature in individuals affected with MMAB-related conditions. ClinVar contains an entry for this variant (Variation ID: 1384420). Invitae Evidence Modeling of protein sequence and biophysical properties (such as structural, functional, and spatial information, amino acid conservation, physicochemical variation, residue mobility, and thermodynamic stability) indicates that this missense variant is not expected to disrupt MMAB protein function with a negative predictive value of 80%. In summary, the available evidence is currently insufficient to determine the role of this variant in disease. Therefore, it has been classified as a Variant of Uncertain Significance.

NM_052845.4(MMAB):c.604A>G (p.Met202Val)

Gene: MMAB (metabolism of cobalamin associated B; minus strand). Cytogenetic location: 12q24.11.
Variant type: single nucleotide variant.
Coding change: c.604A>G on transcript NM_052845.4 (MANE Select); coding-DNA position 604, A replaced by G.
Protein change: p.Met202Val; replaces methionine 202 with valine.
Molecular consequence: missense variant. On other transcripts: non-coding transcript variant (1).
Genome position (GRCh38, 1-based): chr12:109,559,136, T>C on the plus strand (A>G on the coding strand, the complement: MMAB is on the minus strand). VCF-style: chr12-109559136-T-C. GRCh37 (hg19) VCF-style: chr12-109996941-T-C.
Other names: short protein forms M202V.
Identifiers: ClinVar variation 1384420 (VCV001384420.5), dbSNP rs1884098738, ClinGen allele CA386636225.